The following is an entry in ClinVar:

NM_004186.5(SEMA3F):c.1302C>T (p.Phe434=)

Gene: SEMA3F (semaphorin 3F; plus strand). Cytogenetic location: 3p21.31.
Variant type: single nucleotide variant.
Coding change: c.1302C>T on transcript NM_004186.5 (MANE Select); coding-DNA position 1302, C replaced by T.
Protein change: p.Phe434=; no amino-acid change (phenylalanine 434 retained).
Molecular consequence: synonymous variant.
Genome position (GRCh38, 1-based): chr3:50,184,660, C>T. VCF-style: chr3-50184660-C-T. GRCh37 (hg19) VCF-style: chr3-50222093-C-T.
Other names: c.1005C>T, p.Phe335= (NM_001318798.2); c.1209C>T, p.Phe403= (NM_001318800.2).
Identifiers: ClinVar variation 3356998 (VCV003356998.1).
Genomic context (GRCh38, chr3:50,184,660, plus strand): 5'-TGGAACCTTCACGCCATCTATGAAGTCCACCAAGGATTATCCTGATGAGGTGATCAACTT[C>T]ATGCGCAGCCACCCACTCATGTACCAGGCCGTGTACCCTCTGCAGCGGCGGCCCCTGGTA-3'
Protein context (NP_004177.3, residues 424-444): TKDYPDEVIN[Phe434=]MRSHPLMYQA

ClinVar aggregate classification (germline): Likely benign (0 of 4 stars; one submission).

Conditions:
SEMA3F-related disorder. Also called: SEMA3F-related condition.

gnomAD v4.1: 47 of 1,614,062 alleles (0.0029%); highest among the groups gnomAD compares: South Asian, 0.046%; no homozygotes.

Submission:

PreventionGenetics, part of Exact Sciences
Classification: Likely benign for SEMA3F-related condition. Last evaluated: 2024-08-28. Review status: no assertion criteria provided. Collection method: clinical testing. Allele origin: germline.
Comment: This variant is classified as likely benign based on ACMG/AMP sequence variant interpretation guidelines (Richards et al. 2015 PMID: 25741868, with internal and published modifications).